The following is an entry in ClinVar:

NM_019045.5(WDR44):c.1418A>T (p.Asp473Val)

Gene: WDR44 (WD repeat domain 44; plus strand). Cytogenetic location: Xq24.
Variant type: single nucleotide variant.
Coding change: c.1418A>T on transcript NM_019045.5 (MANE Select); coding-DNA position 1418, A replaced by T.
Protein change: p.Asp473Val; replaces aspartic acid 473 with valine.
Molecular consequence: missense variant.
Genome position (GRCh38, 1-based): chrX:118,406,911, A>T. VCF-style: chrX-118406911-A-T. GRCh37 (hg19) VCF-style: chrX-117540874-A-T.
Other names: c.1418A>T, p.Asp473Val (NM_001184965.2); c.1343A>T, p.Asp448Val (NM_001184966.1); short protein forms D448V, D473V.
Identifiers: ClinVar variation 3372815 (VCV003372815.1).

ClinVar aggregate classification (germline): Uncertain significance (1 of 4 stars; one submission).

Submission:

GeneDx
Classification: Uncertain significance. Last evaluated: 2024-04-19. Review status: criteria provided, single submitter. Criteria: GeneDx Variant Classification Process June 2021. Collection method: clinical testing. Allele origin: germline. Affected: yes.
Comment: Not observed at significant frequency in large population cohorts (gnomAD); In silico analysis indicates that this missense variant does not alter protein structure/function; Has not been previously published as pathogenic or benign to our knowledge; Variants in candidate genes are classified as variants of uncertain significance in accordance with ACMG guidelines (PMID: 25741868)